The following is an entry in ClinVar:

ClinVar aggregate classification (germline): Uncertain significance (1 of 4 stars; one submission).

Submission:

CeGaT Center for Human Genetics Tuebingen
Classification: Uncertain significance. Last evaluated: 2022-08-01. Review status: criteria provided, single submitter. Criteria: CeGaT Center For Human Genetics Tuebingen Variant Classification Criteria Version 2. Collection method: clinical testing. Allele origin: germline. Affected: yes. Observed: 1 variant allele.
Comment: TRIO: PM2

NM_007118.4(TRIO):c.5932G>A (p.Val1978Met)

Gene: TRIO (trio Rho guanine nucleotide exchange factor; plus strand). Cytogenetic location: 5p15.2.
Variant type: single nucleotide variant.
Coding change: c.5932G>A on transcript NM_007118.4 (MANE Select); coding-DNA position 5932, G replaced by A.
Protein change: p.Val1978Met; replaces valine 1978 with methionine.
Molecular consequence: missense variant. On other transcripts: non-coding transcript variant (1).
Genome position (GRCh38, 1-based): chr5:14,472,611, G>A. VCF-style: chr5-14472611-G-A. GRCh37 (hg19) VCF-style: chr5-14472720-G-A.
Other names: short protein forms V1978M.
Identifiers: ClinVar variation 2655333 (VCV002655333.24), dbSNP rs2533572903, ClinGen allele CA359227631.